The following is an entry in ClinVar:

ClinVar aggregate classification (germline): Pathogenic/Likely pathogenic. Review status: criteria provided, multiple submitters, no conflicts (2 of 4 stars). 3 submissions from 3 submitters: Pathogenic (2); Likely pathogenic (1). Last evaluated 2025-08-20.

Conditions:
Primary ciliary dyskinesia. Also called: Ciliary dyskinesia. Identifiers: Orphanet 244, MedGen C0008780, MONDO:0016575, HP:0012265.

Submissions (3):

Natera, Inc.
Classification: Likely pathogenic for Primary ciliary dyskinesia. Last evaluated: 2025-08-20. Review status: criteria provided, single submitter. Criteria: Natera Variant Classification Schema (03/2026). Collection method: clinical testing. Allele origin: germline.
Comment: The c.349G>T variant in DNAH5 is a nonsense variant predicted to introduce a stop codon at amino acid 117. This variant is expected to result in nonsense mediated decay, truncation, or a dysfunctional protein product. This variant is rare in the general population with a frequency below the threshold expected for the associated phenotype(s). Given the available evidence, this variant is classified as Likely Pathogenic.

Labcorp Genetics (formerly Invitae), Labcorp
Classification: Pathogenic for Primary ciliary dyskinesia. Last evaluated: 2024-09-16. Review status: criteria provided, single submitter. Criteria: Invitae Variant Classification Sherloc (09022015). Collection method: clinical testing. Allele origin: germline.
Comment: This sequence change creates a premature translational stop signal (p.Glu117*) in the DNAH5 gene. It is expected to result in an absent or disrupted protein product. Loss-of-function variants in DNAH5 are known to be pathogenic (PMID: 11788826, 16627867). This variant is not present in population databases (gnomAD no frequency). This premature translational stop signal has been observed in individual(s) with primary ciliary dyskinesia (internal data). ClinVar contains an entry for this variant (Variation ID: 454767). Algorithms developed to predict the effect of sequence changes on RNA splicing suggest that this variant may disrupt the consensus splice site. For these reasons, this variant has been classified as Pathogenic.

Ambry Genetics
Classification: Pathogenic for Primary ciliary dyskinesia. Last evaluated: 2016-09-12. Review status: criteria provided, single submitter. Criteria: Ambry Variant Classification Scheme 2023. Collection method: clinical testing. Allele origin: germline.
Comment: The p.E117* pathogenic mutation (also known as c.349G>T), located in coding exon 4 of the DNAH5 gene, results from a G to T substitution at nucleotide position 349. This changes the amino acid from a glutamic acid to a stop codon within coding exon 4. This alteration is expected to result in loss of function by premature protein truncation or nonsense-mediated mRNA decay. As such, this alteration is interpreted as a disease-causing mutation.

Literature cited by the submitters: PubMed 11788826 (cited by Labcorp Genetics (formerly Invitae), Labcorp); PubMed 16627867 (cited by Labcorp Genetics (formerly Invitae), Labcorp).

NM_001369.3(DNAH5):c.349G>T (p.Glu117Ter)

Gene: DNAH5 (dynein axonemal heavy chain 5; minus strand). Cytogenetic location: 5p15.2.
Variant type: single nucleotide variant.
Coding change: c.349G>T on transcript NM_001369.3 (MANE Select); coding-DNA position 349, G replaced by T.
Protein change: p.Glu117Ter; replaces glutamic acid 117 with a stop codon.
Molecular consequence: nonsense.
Genome position (GRCh38, 1-based): chr5:13,923,369, C>A on the plus strand (G>T on the coding strand, the complement: DNAH5 is on the minus strand). VCF-style: chr5-13923369-C-A. GRCh37 (hg19) VCF-style: chr5-13923478-C-A.
Other names: short protein forms E117*.
Identifiers: ClinVar variation 454767 (VCV000454767.15), dbSNP rs116128702, ClinGen allele CA359223945.
Genomic context (GRCh38, chr5:13,923,369, plus strand): 5'-TGGAAGGGTCAGTCCTGATGAAGAACACACATACCCCAGTAAGAGCCACATCGTTTCCCT[C>A]GGTCACGAACACCTTAGGTTTTTTAATCTTTCCAGAAACAAGATTTACCCCTCCTAGAGA-3'